The following is an entry in ClinVar:

ClinVar aggregate classification (germline): Uncertain significance (1 of 4 stars; one submission).

Submission:

Labcorp Genetics (formerly Invitae), Labcorp
Classification: Uncertain significance. Last evaluated: 2022-02-18. Review status: criteria provided, single submitter. Criteria: Invitae Variant Classification Sherloc (09022015). Collection method: clinical testing. Allele origin: germline.
Comment: In summary, the available evidence is currently insufficient to determine the role of this variant in disease. Therefore, it has been classified as a Variant of Uncertain Significance. Experimental studies and prediction algorithms are not available or were not evaluated, and the functional significance of this variant is currently unknown. This variant has not been reported in the literature in individuals affected with NEFH-related conditions. This variant is present in population databases (rs745503331, gnomAD 0.004%). This variant, c.1423_1425del, results in the deletion of 1 amino acid(s) of the NEFH protein (p.Glu475del), but otherwise preserves the integrity of the reading frame.

NM_021076.4(NEFH):c.1420GAG[1] (p.Glu475del)

Gene: NEFH (neurofilament heavy chain; plus strand). Cytogenetic location: 22q12.2.
Variant type: Microsatellite.
Coding change: c.1420GAG[1] on transcript NM_021076.4 (MANE Select); one copy of the 3-base unit GAG starting at c.1420; the reference has two copies in a row; one copy, 3 bases deleted.
Protein change: p.Glu475del; deletes glutamic acid 475.
Molecular consequence: inframe deletion.
Genome position (GRCh38, 1-based): chr22:29,489,063-29,489,065, GAG deleted; deleting any 3 consecutive bases within chr22:29,489,060-29,489,065 gives the same sequence; the position shown is the placement nearest the transcript's 3' end. VCF-style (leftmost placement, unchanged base first): chr22-29489059-AGAG-A. GRCh37 (hg19) VCF-style: chr22-29885048-AGAG-A.
Other names: short protein forms E475del.
Identifiers: ClinVar variation 2099070 (VCV002099070.4), dbSNP rs745503331, ClinGen allele CA10174206.